The following is an entry in ClinVar:

ClinVar aggregate classification (germline): Uncertain significance. Review status: criteria provided, multiple submitters, no conflicts (2 of 4 stars). 2 submissions from 2 submitters: Uncertain significance (2). Last evaluated 2023-12-13.

Conditions:
Hereditary cancer-predisposing syndrome. Also called: Hereditary Cancer Syndrome; Hereditary neoplastic syndrome; Neoplastic Syndromes, Hereditary; Tumor predisposition. Identifiers: Orphanet 140162, MedGen C0027672, MeSH D009386, MONDO:0015356.
Familial cancer of breast. Also called: hereditary breast carcinoma; Hereditary breast cancer; BREAST CANCER, FAMILIAL. Identifiers: Orphanet 227535, MedGen C0346153, MONDO:0016419, OMIM 114480. Disease mechanism: loss of function.

Submissions (2):

Labcorp Genetics (formerly Invitae), Labcorp
Classification: Uncertain significance for Familial cancer of breast. Last evaluated: 2023-12-13. Review status: criteria provided, single submitter. Criteria: Invitae Variant Classification Sherloc (09022015). Collection method: clinical testing. Allele origin: germline.
Comment: This sequence change replaces serine, which is neutral and polar, with threonine, which is neutral and polar, at codon 140 of the CHEK2 protein (p.Ser140Thr). This variant is not present in population databases (gnomAD no frequency). This variant has not been reported in the literature in individuals affected with CHEK2-related conditions. ClinVar contains an entry for this variant (Variation ID: 1062547). An algorithm developed to predict the effect of missense changes on protein structure and function (PolyPhen-2) suggests that this variant is likely to be disruptive. In summary, the available evidence is currently insufficient to determine the role of this variant in disease. Therefore, it has been classified as a Variant of Uncertain Significance.

Ambry Genetics
Classification: Uncertain significance for Hereditary cancer-predisposing syndrome. Last evaluated: 2023-11-16. Review status: criteria provided, single submitter. Criteria: Ambry Variant Classification Scheme 2023. Collection method: clinical testing. Allele origin: germline.
Comment: The p.S140T variant (also known as c.419G>C), located in coding exon 2 of the CHEK2 gene, results from a G to C substitution at nucleotide position 419. The serine at codon 140 is replaced by threonine, an amino acid with similar properties. This amino acid position is highly conserved in available vertebrate species. In addition, this alteration is predicted to be deleterious by in silico analysis. Since supporting evidence is limited at this time, the clinical significance of this alteration remains unclear.

NM_007194.4(CHEK2):c.419G>C (p.Ser140Thr)

Gene: CHEK2 (checkpoint kinase 2; minus strand). Cytogenetic location: 22q12.1.
Variant type: single nucleotide variant.
Coding change: c.419G>C on transcript NM_007194.4 (MANE Select); coding-DNA position 419, G replaced by C.
Protein change: p.Ser140Thr; replaces serine 140 with threonine.
Molecular consequence: missense variant.
Genome position (GRCh38, 1-based): chr22:28,725,268, C>G on the plus strand (G>C on the coding strand, the complement: CHEK2 is on the minus strand). VCF-style: chr22-28725268-C-G. GRCh37 (hg19) VCF-style: chr22-29121256-C-G.
Other names: c.548G>C, p.Ser183Thr (NM_001005735.3); c.-359G>C (NM_001257387.3); c.419G>C, p.Ser140Thr (NM_001349956.3, NM_145862.3); short protein forms S140T, S183T.
Identifiers: ClinVar variation 1062547 (VCV001062547.11), dbSNP rs768234137, ClinGen allele CA411107946.